The following is an entry in ClinVar:

ClinVar aggregate classification (germline): Uncertain significance (1 of 4 stars; one submission).

Submission:

Ambry Genetics
Classification: Uncertain significance. Last evaluated: 2026-01-24. Review status: criteria provided, single submitter. Criteria: Ambry Variant Classification Scheme 2023. Collection method: clinical testing. Allele origin: germline.
Comment: The p.A103E variant (also known as c.308C>A), located in coding exon 1 of the WNK2 gene, results from a C to A substitution at nucleotide position 308. The alanine at codon 103 is replaced by glutamic acid, an amino acid with dissimilar properties. This amino acid position is conserved. In addition, this alteration is predicted to be tolerated by in silico analysis. Based on the available evidence, the clinical significance of this variant remains unclear.

NM_006648.4(WNK2):c.308C>A (p.Ala103Glu)

Gene: WNK2 (WNK lysine deficient protein kinase 2; plus strand). Cytogenetic location: 9q22.31.
Variant type: single nucleotide variant.
Coding change: c.308C>A on transcript NM_006648.4 (MANE Select); coding-DNA position 308, C replaced by A.
Protein change: p.Ala103Glu; replaces alanine 103 with glutamic acid.
Molecular consequence: missense variant.
Genome position (GRCh38, 1-based): chr9:93,185,237, C>A. VCF-style: chr9-93185237-C-A. GRCh37 (hg19) VCF-style: chr9-95947519-C-A.
Other names: c.308C>A, p.Ala103Glu (NM_001282394.3); short protein forms A103E.
Identifiers: ClinVar variation 4844878 (VCV004844878.1).
Genomic context (GRCh38, chr9:93,185,237, plus strand): 5'-GCCTCATCGCGGAGCGCGCCCGCGGACGCCCCGCCGCCCCCGCGCCCGCAGCGCTGGTAG[C>A]GCAGCCGGGAGCCCCCGGAGCCCCCGCGGACGCCGGCCCCGAGCCCGTGGGCACGCAGGA-3'
Protein context (NP_006639.3, residues 93-113): PAAPAPAALV[Ala103Glu]QPGAPGAPAD